The following is an entry in ClinVar:

ClinVar aggregate classification (germline): Uncertain significance (1 of 4 stars; one submission).

Conditions:
Dehydrated hereditary stomatocytosis with or without pseudohyperkalemia and/or perinatal edema (DHS1). Also called: PSEUDOHYPERKALEMIA EDINBURGH; DEHYDRATED HEREDITARY STOMATOCYTOSIS AND PSEUDOHYPERKALEMIA; DEHYDRATED HEREDITARY STOMATOCYTOSIS WITH PSEUDOHYPERKALEMIA AND PERINATAL EDEMA; Pseudohyperkalemia, familial, 1, due to red cell leak; Dehydrated hereditary stomatocytosis 1 with or without pseudohyperkalemia and/or perinatal edema. Identifiers: Orphanet 3202, MedGen C4551512, MONDO:0008689, OMIM 194380.

gnomAD v4.1: 2 of 1,239,400 alleles (0.00016%); highest among the groups gnomAD compares: Non-Finnish European, 0.00021%; no homozygotes.

Submission:

Department of Pediatrics, Duzce University
Classification: Uncertain significance for Dehydrated hereditary stomatocytosis with or without pseudohyperkalemia and/or perinatal edema. Last evaluated: 2024-02-12. Review status: criteria provided, single submitter. Criteria: ACMG Guidelines, 2015. Collection method: research. Allele origin: germline. Inheritance: Autosomal dominant inheritance. Affected: yes.
Comment: Missense variant p.(Cys1020Ser) of uncertain significance in PIEZO1. Rare in population databases (PM2_supporting); in silico predictions insufficient or conflicting; no established functional evidence. Applied ACMG/AMP criteria: PM2_supporting. Classification: Uncertain significance.

NM_001142864.4(PIEZO1):c.3059G>C (p.Cys1020Ser)

Genes: PIEZO1 (piezo type mechanosensitive ion channel component 1 (Er blood group); minus strand), HSALR1 (HSP90AB1 associated lncRNA 1; plus strand). Cytogenetic location: 16q24.3.
Variant type: single nucleotide variant.
Coding change: c.3059G>C on transcript NM_001142864.4 (MANE Select); coding-DNA position 3059, G replaced by C.
Protein change: p.Cys1020Ser; replaces cysteine 1020 with serine.
Molecular consequence: missense variant.
Genome position (GRCh38, 1-based): chr16:88,731,843, C>G on the plus strand (G>C on the coding strand, the complement: PIEZO1 is on the minus strand). VCF-style: chr16-88731843-C-G. GRCh37 (hg19) VCF-style: chr16-88798251-C-G.
Other names: p.(Cys1020Ser); short protein forms C1020S.
Identifiers: ClinVar variation 4852839 (VCV004852839.1).